The following is an entry in ClinVar:

NM_006440.5(TXNRD2):c.1234G>A (p.Glu412Lys)

Gene: TXNRD2 (thioredoxin reductase 2; minus strand). Cytogenetic location: 22q11.21.
Variant type: single nucleotide variant.
Coding change: c.1234G>A on transcript NM_006440.5 (MANE Select); coding-DNA position 1234, G replaced by A.
Protein change: p.Glu412Lys; replaces glutamic acid 412 with lysine.
Molecular consequence: missense variant. On other transcripts: non-coding transcript variant (1).
Genome position (GRCh38, 1-based): chr22:19,880,220, C>T on the plus strand (G>A on the coding strand, the complement: TXNRD2 is on the minus strand). VCF-style: chr22-19880220-C-T. GRCh37 (hg19) VCF-style: chr22-19867743-C-T.
Other names: c.1231G>A, p.Glu411Lys (NM_001352300.2); c.1144G>A, p.Glu382Lys (NM_001352301.2); c.946G>A, p.Glu316Lys (NM_001352302.2); short protein forms E412K, E316K, E382K, E411K.
Identifiers: ClinVar variation 524925 (VCV000524925.9), dbSNP rs781432469, ClinGen allele CA10103737.

ClinVar aggregate classification (germline): Uncertain significance. Review status: criteria provided, multiple submitters, no conflicts (2 of 4 stars). 2 submissions from 2 submitters: Uncertain significance (2). Last evaluated 2025-06-12.

Conditions:
Cardiovascular phenotype. Identifiers: MedGen CN230736.
Primary dilated cardiomyopathy (DCM). Also called: Dilated Cardiomyopathy. Identifiers: Orphanet 217604, MedGen C0007193, MeSH D002311, MONDO:0005021, HP:0001644. Inheritance: Various modes of inheritance.

Allele frequency attached by ClinVar (database versions not stated): gnomAD exomes 0.00001; TOPMed 0.00001; ExAC 0.00002.
gnomAD v4.1: 19 of 1,613,758 alleles (0.0012%); highest among the groups gnomAD compares: Non-Finnish European, 0.0014%; no homozygotes.

Submissions (2):

Labcorp Genetics (formerly Invitae), Labcorp
Classification: Uncertain significance for Primary dilated cardiomyopathy. Last evaluated: 2025-06-12. Review status: criteria provided, single submitter. Criteria: Invitae Variant Classification Sherloc (09022015). Collection method: clinical testing. Allele origin: germline.
Comment: This sequence change replaces glutamic acid, which is acidic and polar, with lysine, which is basic and polar, at codon 412 of the TXNRD2 protein (p.Glu412Lys). This variant is present in population databases (rs781432469, gnomAD 0.003%). This variant has not been reported in the literature in individuals affected with TXNRD2-related conditions. ClinVar contains an entry for this variant (Variation ID: 524925). Invitae Evidence Modeling of protein sequence and biophysical properties (such as structural, functional, and spatial information, amino acid conservation, physicochemical variation, residue mobility, and thermodynamic stability) indicates that this missense variant is expected to disrupt TXNRD2 protein function with a positive predictive value of 80%. In summary, the available evidence is currently insufficient to determine the role of this variant in disease. Therefore, it has been classified as a Variant of Uncertain Significance.

Ambry Genetics
Classification: Uncertain significance for Cardiovascular phenotype. Last evaluated: 2024-02-16. Review status: criteria provided, single submitter. Criteria: Ambry Variant Classification Scheme 2023. Collection method: clinical testing. Allele origin: germline.
Comment: The p.E412K variant (also known as c.1234G>A), located in coding exon 14 of the TXNRD2 gene, results from a G to A substitution at nucleotide position 1234. The glutamic acid at codon 412 is replaced by lysine, an amino acid with similar properties. This amino acid position is highly conserved in available vertebrate species. In addition, this alteration is predicted to be deleterious by in silico analysis. Since supporting evidence is limited at this time, the clinical significance of this alteration remains unclear.